The following is an entry in ClinVar:

ClinVar aggregate classification (germline): Uncertain significance (1 of 4 stars; one submission).

Conditions:
Ectodermal dysplasia 10A, hypohidrotic/hair/nail type, autosomal dominant (ECTD10A). Also called: Ectodermal Dysplasia 3, Anhidrotic. Identifiers: Orphanet 1810, Orphanet 238468, MedGen C3888065, MONDO:0007509, OMIM 129490.
Autosomal recessive hypohidrotic ectodermal dysplasia syndrome. Also called: Autosomal recessive hypohidrotic ectodermal dysplasia. Identifiers: Orphanet 248, MedGen C0406702, MONDO:0016619.

Allele frequency attached by ClinVar (database versions not stated): gnomAD 0.00003; gnomAD exomes 0.00003; TOPMed 0.00003; ExAC 0.00004; ESP Exome Variant Server 0.00015.
gnomAD v4.1: 27 of 1,614,048 alleles (0.0017%); highest among the groups gnomAD compares: African/African-American, 0.0093%; no homozygotes.

Submission:

Labcorp Genetics (formerly Invitae), Labcorp
Classification: Uncertain significance for Ectodermal dysplasia 10A, hypohidrotic/hair/nail type, autosomal dominant; Autosomal recessive hypohidrotic ectodermal dysplasia syndrome. Last evaluated: 2019-10-23. Review status: criteria provided, single submitter. Criteria: Invitae Variant Classification Sherloc (09022015). Collection method: clinical testing. Allele origin: germline.
Comment: In summary, the available evidence is currently insufficient to determine the role of this variant in disease. Therefore, it has been classified as a Variant of Uncertain Significance. This sequence change replaces aspartic acid with asparagine at codon 386 of the EDAR protein (p.Asp386Asn). The aspartic acid residue is highly conserved and there is a small physicochemical difference between aspartic acid and asparagine. This variant is present in population databases (rs149835516, ExAC 0.02%). This variant has not been reported in the literature in individuals with EDAR-related conditions. Algorithms developed to predict the effect of missense changes on protein structure and function are either unavailable or do not agree on the potential impact of this missense change (SIFT: "Deleterious"; PolyPhen-2: "Probably Damaging"; Align-GVGD: "Class C15").

NM_022336.4(EDAR):c.1156G>A (p.Asp386Asn)

Genes: EDAR (ectodysplasin A receptor; minus strand), RANBP2 (RAN binding protein 2; plus strand). Cytogenetic location: 2q13.
Variant type: single nucleotide variant.
Coding change: c.1156G>A on transcript NM_022336.4 (MANE Select); coding-DNA position 1156, G replaced by A.
Protein change: p.Asp386Asn; replaces aspartic acid 386 with asparagine.
Molecular consequence: missense variant.
Genome position (GRCh38, 1-based): chr2:108,897,098, C>T on the plus strand (G>A on the coding strand, the complement: EDAR is on the minus strand). VCF-style: chr2-108897098-C-T. GRCh37 (hg19) VCF-style: chr2-109513554-C-T.
Other names: short protein forms D386N.
Identifiers: ClinVar variation 964896 (VCV000964896.9), dbSNP rs149835516, ClinGen allele CA1824808.
Genomic context (GRCh38, chr2:108,897,098, plus strand): 5'-AGCCTGCCGTGCTGATGCGGTCAAAGAGTTGCATGCCGTCTGTCATGCCCCCAATCTCAT[C>T]CCTCTTCAGGCCGAAGCTCTCGGCGAGGTGGCGCCACGTTTTCACAACAGCCTTCTCAGA-3'
Protein context (NP_071731.1, residues 376-396): HLAESFGLKR[Asp386Asn]EIGGMTDGMQ